The following is an entry in ClinVar:

ClinVar aggregate classification (germline): Uncertain significance (1 of 4 stars; one submission).

Allele frequency attached by ClinVar (database versions not stated): gnomAD exomes 0.00001; gnomAD 0.00002 and 0.00003; TOPMed 0.00002.
gnomAD v4.1: 9 of 398,618 alleles (0.0023%); highest among the groups gnomAD compares: Non-Finnish European, 0.0031%; no homozygotes.

Submission:

CeGaT Center for Human Genetics Tuebingen
Classification: Uncertain significance. Last evaluated: 2022-06-01. Review status: criteria provided, single submitter. Criteria: CeGaT Center For Human Genetics Tuebingen Variant Classification Criteria Version 2. Collection method: clinical testing. Allele origin: germline. Affected: yes. Observed: 1 variant allele.
Comment: SPTAN1: PP2

NM_001130438.3(SPTAN1):c.6708-1171G>A

Gene: SPTAN1 (spectrin alpha, non-erythrocytic 1; plus strand). Cytogenetic location: 9q34.11.
Variant type: single nucleotide variant.
Coding change: c.6708-1171G>A on transcript NM_001130438.3 (MANE Select); 1171 bases into the intron before coding-DNA position 6708, G replaced by A.
Molecular consequence: intron variant. On other transcripts: missense variant (2).
Genome position (GRCh38, 1-based): chr9:128,629,150, G>A. VCF-style: chr9-128629150-G-A. GRCh37 (hg19) VCF-style: chr9-131391429-G-A.
Other names: c.6733G>A, p.Val2245Ile (NM_001363759.2); c.6769G>A, p.Val2257Ile (NM_001375318.1); c.6744-1171G>A (NM_001375312.2); c.6708-1171G>A (NM_001375311.2); c.6648-1171G>A (NM_001375314.2, NM_001363765.2); c.6795-1171G>A (NM_001375310.1); c.6690-1171G>A (NM_001375313.1); c.6693-1171G>A (NM_003127.4); and 1 more; short protein forms V2245I, V2257I.
Identifiers: ClinVar variation 1695267 (VCV001695267.31), dbSNP rs1029370467, ClinGen allele CA200409706.